The following is an entry in ClinVar:

NM_001163809.2(WDR81):c.1666A>T (p.Lys556Ter)

Gene: WDR81 (WD repeat domain 81; plus strand). Cytogenetic location: 17p13.3.
Variant type: single nucleotide variant.
Coding change: c.1666A>T on transcript NM_001163809.2 (MANE Select); coding-DNA position 1666, A replaced by T.
Protein change: p.Lys556Ter; replaces lysine 556 with a stop codon.
Molecular consequence: nonsense. On other transcripts: intron variant (3).
Genome position (GRCh38, 1-based): chr17:1,726,625, A>T. VCF-style: chr17-1726625-A-T. GRCh37 (hg19) VCF-style: chr17-1629919-A-T.
Other names: c.-123-1365A>T (NM_152348.4); c.59-3755A>T (NM_001163673.2); c.-15+1839A>T (NM_001163811.2); short protein forms K556*.
Identifiers: ClinVar variation 2070117 (VCV002070117.1), dbSNP rs2543870620, ClinGen allele CA397588945.
Genomic context (GRCh38, chr17:1,726,625, plus strand): 5'-GAGGTATCCCGGGACCTGCACCATTGGATCGACCTCACGTTTGGCTATAAACTCCAGGGT[A>T]AGGAGGCTGTCAAGGAAAAGAATGTGTGTCTGCACCTGGTGGACGCCCACACTCACCTGG-3'

ClinVar aggregate classification (germline): Pathogenic (1 of 4 stars; one submission).

Submission:

Labcorp Genetics (formerly Invitae), Labcorp
Classification: Pathogenic. Last evaluated: 2022-07-05. Review status: criteria provided, single submitter. Criteria: Invitae Variant Classification Sherloc (09022015). Collection method: clinical testing. Allele origin: germline.
Comment: This sequence change creates a premature translational stop signal (p.Lys556*) in the WDR81 gene. It is expected to result in an absent or disrupted protein product. Loss-of-function variants in WDR81 are known to be pathogenic (PMID: 26437881). This variant is not present in population databases (gnomAD no frequency). This variant has not been reported in the literature in individuals affected with WDR81-related conditions. For these reasons, this variant has been classified as Pathogenic.

Literature cited by the submitters: PubMed 26437881.